The following is an entry in ClinVar:

ClinVar aggregate classification (germline): not provided (0 of 4 stars; one submission).

gnomAD v4.1: 43 of 1,598,294 alleles (0.0027%); highest among the groups gnomAD compares: South Asian, 0.047%; no homozygotes.

Submission:

ITMI
No classification provided. Condition: AllHighlyPenetrant. Last evaluated: 2013-09-19. Review status: no classification provided. Collection method: reference population. Allele origin: germline.
Comment: Please see associated publication for description of ethnicities

Literature cited by the submitters: PubMed 24728327.

NM_207122.2(EXT2):c.1173+14131G>A

Gene: EXT2 (exostosin glycosyltransferase 2; plus strand). Cytogenetic location: 11p11.2.
Variant type: single nucleotide variant.
Coding change: c.1173+14131G>A on transcript NM_207122.2 (MANE Select); 14131 bases into the intron after coding-DNA position 1173, G replaced by A.
Molecular consequence: intron variant. On other transcripts: missense variant (1).
Genome position (GRCh38, 1-based): chr11:44,144,269, G>A. VCF-style: chr11-44144269-G-A. GRCh37 (hg19) VCF-style: chr11-44165819-G-A.
Other names: c.1196G>A, p.Arg399Lys (NM_001178083.3); c.1173+14131G>A (NM_001389630.1, NM_001389628.1); c.1272+14131G>A (NM_000401.3); short protein forms R399K.
Identifiers: ClinVar variation 134219 (VCV000134219.1), dbSNP rs587778300, ClinGen allele CA159181.